The following is an entry in ClinVar:

ClinVar aggregate classification (germline): Uncertain significance (1 of 4 stars; one submission).

Conditions:
Inborn genetic diseases. Identifiers: MedGen C0950123, MeSH D030342.

Submission:

Ambry Genetics
Classification: Uncertain significance for Inborn genetic diseases. Last evaluated: 2024-03-20. Review status: criteria provided, single submitter. Criteria: Ambry Variant Classification Scheme 2023. Collection method: clinical testing. Allele origin: germline.
Comment: The p.S496G variant (also known as c.1486A>G), located in coding exon 11 of the BUB1B gene, results from an A to G substitution at nucleotide position 1486. The serine at codon 496 is replaced by glycine, an amino acid with similar properties. This amino acid position is conserved. In addition, this alteration is predicted to be tolerated by in silico analysis. Since supporting evidence is limited at this time, the clinical significance of this alteration remains unclear.

NM_001211.6(BUB1B):c.1486A>G (p.Ser496Gly)

Gene: BUB1B (BUB1 mitotic checkpoint serine/threonine kinase B; plus strand). Cytogenetic location: 15q15.1.
Variant type: single nucleotide variant.
Coding change: c.1486A>G on transcript NM_001211.6 (MANE Select); coding-DNA position 1486, A replaced by G.
Protein change: p.Ser496Gly; replaces serine 496 with glycine.
Molecular consequence: missense variant.
Genome position (GRCh38, 1-based): chr15:40,200,328, A>G. VCF-style: chr15-40200328-A-G. GRCh37 (hg19) VCF-style: chr15-40492529-A-G.
Other names: short protein forms S496G.
Identifiers: ClinVar variation 1773668 (VCV001773668.2), dbSNP rs758011229, ClinGen allele CA268794404.